The following is an entry in ClinVar:

ClinVar aggregate classification (germline): Uncertain significance (1 of 4 stars; one submission).

Conditions:
Cowden syndrome (CS). Also called: Cowden's disease; Cowden's syndrome; Cowden disease. Identifiers: Orphanet 201, MedGen C0018553, MONDO:0016063. Disease mechanism: gain of function.

Submission:

Labcorp Genetics (formerly Invitae), Labcorp
Classification: Uncertain significance for Cowden syndrome. Last evaluated: 2021-02-14. Review status: criteria provided, single submitter. Criteria: Invitae Variant Classification Sherloc (09022015). Collection method: clinical testing. Allele origin: germline.
Comment: This sequence change replaces isoleucine with phenylalanine at codon 788 of the PIK3CA protein (p.Ile788Phe). The isoleucine residue is highly conserved and there is a small physicochemical difference between isoleucine and phenylalanine. In summary, the available evidence is currently insufficient to determine the role of this variant in disease. Therefore, it has been classified as a Variant of Uncertain Significance. Algorithms developed to predict the effect of missense changes on protein structure and function are either unavailable or do not agree on the potential impact of this missense change (SIFT: "Deleterious"; PolyPhen-2: "Benign"; Align-GVGD: "Class C0"). This variant has not been reported in the literature in individuals with PIK3CA-related conditions. This variant is not present in population databases (ExAC no frequency).

NM_006218.4(PIK3CA):c.2362A>T (p.Ile788Phe)

Gene: PIK3CA (phosphatidylinositol-4,5-bisphosphate 3-kinase catalytic subunit alpha; plus strand). Cytogenetic location: 3q26.32.
Variant type: single nucleotide variant.
Coding change: c.2362A>T on transcript NM_006218.4 (MANE Select); coding-DNA position 2362, A replaced by T.
Protein change: p.Ile788Phe; replaces isoleucine 788 with phenylalanine.
Molecular consequence: missense variant.
Genome position (GRCh38, 1-based): chr3:179,224,767, A>T. VCF-style: chr3-179224767-A-T. GRCh37 (hg19) VCF-style: chr3-178942555-A-T.
Other names: short protein forms I788F.
Identifiers: ClinVar variation 1480045 (VCV001480045.8), dbSNP rs1356168549, ClinGen allele CA355272169.
Genomic context (GRCh38, chr3:179,224,767, plus strand): 5'-GAGTGTCGAATTATGTCCTCTGCAAAAAGGCCACTGTGGTTGAATTGGGAGAACCCAGAC[A>T]TCATGTCAGAGTTACTGTTTCAGAACAATGAGATCATCTTTAAAAATGGGGATGGTAAGG-3'
Protein context (NP_006209.2, residues 778-798): PLWLNWENPD[Ile788Phe]MSELLFQNNE